The following is an entry in ClinVar:

ClinVar aggregate classification (germline): Pathogenic/Likely pathogenic. Review status: criteria provided, multiple submitters, no conflicts (2 of 4 stars). 4 submissions from 4 submitters: Pathogenic (2); Likely pathogenic (1). 1 of the submissions does not count toward it. Last evaluated 2024-04-29.

Conditions:
Familial dysfibrinogenemia. Also called: Dysfibrinogenemia, congenital. Identifiers: Orphanet 335, Orphanet 98881, MedGen C0272350, MONDO:0014452, OMIM 616004.
FIBRINOGEN ASAHI.
FGG-related disorder. Also called: FGG-related condition.

Submissions (4):

GeneDx
Classification: Likely pathogenic. Last evaluated: 2024-04-29. Review status: criteria provided, single submitter. Criteria: GeneDx Variant Classification Process June 2021. Collection method: clinical testing. Allele origin: germline. Affected: yes.
Comment: Identified in the heterozygous state in patients with dysfibrinogenemia in the published literature, including one apparently de novo occurrence (PMID: 19949684) (PMID: 2496144, 19949684, 19923982, 22836217); Not observed at significant frequency in large population cohorts (gnomAD); In silico analysis supports that this missense variant has a deleterious effect on protein structure/function; Also referred to as fibrinogen Asahi and Yecheon, and by alternate nomenclature p.(M310T); This variant is associated with the following publications: (PMID: 22836217, 19949684, 2496144, 19923982)

PreventionGenetics, part of Exact Sciences
Classification: Pathogenic for FGG-related condition. Last evaluated: 2022-10-24. Review status: criteria provided, single submitter. Criteria: ACMG Guidelines, 2015. Collection method: clinical testing. Allele origin: germline.
Comment: The FGG c.1007T>C variant is predicted to result in the amino acid substitution p.Met336Thr. This variant, also known as Met310Thr by legacy nomenclature, has been reported in individuals with Dysfibrinogenemia (Yamazumi et al. 1989. PubMed ID: 2496144; Park et al. 2009. PubMed ID: 19949684; Miesbach et al 2010. PubMed ID: 19923982; Shigekiyo et al. 2012. PubMed ID: 22836217). This variant has not been reported in a large population database, indicating this variant is rare. This variant is interpreted as pathogenic.

Women's Health and Genetics/Laboratory Corporation of America, LabCorp
Classification: Pathogenic for Familial dysfibrinogenemia. Last evaluated: 2021-11-16. Review status: criteria provided, single submitter. Criteria: LabCorp Variant Classification Summary - May 2015. Collection method: clinical testing. Allele origin: germline.
Comment: Variant summary: FGG c.1007T>C (p.Met336Thr) (legacy name p.Met310Thr) results in a non-conservative amino acid change located in the Fibrinogen, alpha/beta/gamma chain, C-terminal globular domain (IPR002181) of the encoded protein sequence. Five of five in-silico tools predict a damaging effect of the variant on protein function. The variant was absent in 251364 control chromosomes. c.1007T>C has been reported in the literature with different common names such as Fibrinogen Asahi, Fibrinogen Yecheon, Fibrinogen Tokushima II in individuals affected with Congenital Dysfibrinogenemia (example, Yamazumi_1989, Park_2009, Shigekiyo_2012, Miesbach_2010). Some of these reports indicated this variant as a heterozygous de-novo occurrence in the affected proband. It is known to result in subsequent extra N-glycosylation at the gamma Asn 308 (Yamazumi_1989). These data indicate that the variant is likely to be associated with disease. To our knowledge, no experimental evidence demonstrating an impact on protein function has been reported. No clinical diagnostic laboratories have submitted clinical-significance assessments for this variant to ClinVar after 2014. Based on the evidence outlined above, the variant was classified as pathogenic.

OMIM
Classification: other for FIBRINOGEN ASAHI. Last evaluated: 2014-09-26. Review status: no assertion criteria provided. Collection method: literature only. Allele origin: germline. Not counted in ClinVar's aggregate classification.

Literature cited by the submitters: PubMed 19923982 (cited by Women's Health and Genetics/Laboratory Corporation of America, LabCorp); PubMed 19949684 (cited by Women's Health and Genetics/Laboratory Corporation of America, LabCorp); PubMed 22836217 (cited by Women's Health and Genetics/Laboratory Corporation of America, LabCorp); PubMed 2496144 (cited by Women's Health and Genetics/Laboratory Corporation of America, LabCorp and OMIM).

NM_021870.2(FGG):c.1007T>C (p.Met336Thr)

Gene: FGG (fibrinogen gamma chain; minus strand). Cytogenetic location: 4q32.1.
Variant type: single nucleotide variant.
Coding change: c.1007T>C on transcript NM_021870.2; coding-DNA position 1007, T replaced by C.
Protein change: p.Met336Thr; replaces methionine 336 with threonine.
Molecular consequence: missense variant (on NM_021870.3).
Genome position (GRCh38, 1-based): chr4:154,606,827, A>G on the plus strand (T>C on the coding strand, the complement: FGG is on the minus strand). VCF-style: chr4-154606827-A-G. GRCh37 (hg19) VCF-style: chr4-155527979-A-G.
Other names: M310T; c.1007T>C, p.Met336Thr (NM_000509.6, NM_021870.3); c.1007T>C (NM_000509.5, NM_000509.4); short protein forms M336T.
Identifiers: ClinVar variation 16366 (VCV000016366.4), dbSNP rs121913091, ClinGen allele CA126399.